The following is an entry in ClinVar:

NM_001365951.3(KIF1B):c.1549C>T (p.Arg517Trp)

Gene: KIF1B (kinesin family member 1B; plus strand). Cytogenetic location: 1p36.22.
Variant type: single nucleotide variant.
Coding change: c.1549C>T on transcript NM_001365951.3 (MANE Select); coding-DNA position 1549, C replaced by T.
Protein change: p.Arg517Trp; replaces arginine 517 with tryptophan.
Molecular consequence: missense variant.
Genome position (GRCh38, 1-based): chr1:10,292,081, C>T. VCF-style: chr1-10292081-C-T. GRCh37 (hg19) VCF-style: chr1-10352139-C-T.
Other names: c.1549C>T, p.Arg517Trp (NM_001365952.1); c.1411C>T, p.Arg471Trp (NM_001365953.1, NM_015074.3, NM_183416.4); short protein forms R471W, R517W.
Identifiers: ClinVar variation 1965419 (VCV001965419.7), dbSNP rs756040504, ClinGen allele CA338313474.
Genomic context (GRCh38, chr1:10,292,081, plus strand): 5'-TTCTGATATACCTGTTTTTTTCCTAGAGAGGCTTTGTTGGCTGAGATGGGAGTTGCCATT[C>T]GGGAAGATGGAGGAACCCTAGGGGTTTTCTCACCTAAAAAGGTAGGAAACAATGCTGTGA-3'
Protein context (NP_001352880.1, residues 507-527): ALLAEMGVAI[Arg517Trp]EDGGTLGVFS

ClinVar aggregate classification (germline): Uncertain significance. Review status: criteria provided, multiple submitters, no conflicts (2 of 4 stars). 2 submissions from 2 submitters: Uncertain significance (2). Last evaluated 2025-12-13.

Conditions:
Charcot-Marie-Tooth disease type 2. Also called: Charcot-Marie-Tooth type 2. Identifiers: Orphanet 64746, MedGen C0270914, MONDO:0018993.

gnomAD v4.1: 6 of 1,613,846 alleles (0.00037%); highest among the groups gnomAD compares: South Asian, 0.0011%; no homozygotes.

Submissions (2):

Ambry Genetics
Classification: Uncertain significance. Last evaluated: 2025-12-13. Review status: criteria provided, single submitter. Criteria: Ambry Variant Classification Scheme 2023. Collection method: clinical testing. Allele origin: germline.
Comment: The p.R471W variant (also known as c.1411C>T), located in coding exon 14 of the KIF1B gene, results from a C to T substitution at nucleotide position 1411. The arginine at codon 471 is replaced by tryptophan, an amino acid with dissimilar properties. This amino acid position is highly conserved in available vertebrate species. In addition, this alteration is predicted to be deleterious by in silico analysis. The evidence for this gene-disease relationship is limited; therefore, the clinical significance of this alteration is unclear.

Labcorp Genetics (formerly Invitae), Labcorp
Classification: Uncertain significance for Charcot-Marie-Tooth disease type 2. Last evaluated: 2025-09-02. Review status: criteria provided, single submitter. Criteria: Invitae Variant Classification Sherloc (09022015). Collection method: clinical testing. Allele origin: germline.
Comment: This sequence change replaces arginine, which is basic and polar, with tryptophan, which is neutral and slightly polar, at codon 471 of the KIF1B protein (p.Arg471Trp). This variant is not present in population databases (gnomAD no frequency). This variant has not been reported in the literature in individuals affected with KIF1B-related conditions. ClinVar contains an entry for this variant (Variation ID: 1965419). Invitae Evidence Modeling of protein sequence and biophysical properties (such as structural, functional, and spatial information, amino acid conservation, physicochemical variation, residue mobility, and thermodynamic stability) indicates that this missense variant is expected to disrupt KIF1B protein function with a positive predictive value of 80%. In summary, the available evidence is currently insufficient to determine the role of this variant in disease. Therefore, it has been classified as a Variant of Uncertain Significance.